The following is an entry in ClinVar:

NM_005862.3(STAG1):c.1126-6dup

Gene: STAG1 (STAG1 cohesin complex component; minus strand). Cytogenetic location: 3q22.3.
Variant type: Duplication.
Coding change: c.1126-6dup on transcript NM_005862.3 (MANE Select); 6 bases into the intron before coding-DNA position 1126, one base duplicated (T; older notation c.1126-6dupT).
Molecular consequence: intron variant.
Genome position (GRCh38, 1-based): chr3:136,472,498, A duplicated on the plus strand (T on the coding strand, the reverse complement: STAG1 is on the minus strand); the first of 8 consecutive A bases (chr3:136,472,498-136,472,505); duplicating any one gives the same sequence. VCF-style (leftmost placement, unchanged base first): chr3-136472497-G-GA. GRCh37 (hg19) VCF-style: chr3-136191339-G-GA.
Identifiers: ClinVar variation 2654180 (VCV002654180.25), dbSNP rs756531368, ClinGen allele CA2632982.

ClinVar aggregate classification (germline): Likely benign. Review status: criteria provided, multiple submitters, no conflicts (2 of 4 stars). 2 submissions from 2 submitters: Likely benign (2). Last evaluated 2023-09-01.

Submissions (2):

CeGaT Center for Human Genetics Tuebingen
Classification: Likely benign. Last evaluated: 2023-09-01. Review status: criteria provided, single submitter. Criteria: CeGaT Center For Human Genetics Tuebingen Variant Classification Criteria Version 2. Collection method: clinical testing. Allele origin: germline. Affected: yes. Observed: 1 variant allele.
Comment: STAG1: BP4

Blueprint Genetics
Classification: Likely benign. Last evaluated: 2020-03-10. Review status: criteria provided, single submitter. Criteria: ACMG Guidelines, 2015. Collection method: clinical testing. Allele origin: germline.